The following is an entry in ClinVar:

ClinVar aggregate classification (germline): Uncertain significance (1 of 4 stars; one submission).

Conditions:
Arrhythmogenic right ventricular dysplasia 5. Also called: Arrhythmogenic Right Ventricular Dysplasia/Cardiomyopathy 5; ARRHYTHMOGENIC RIGHT VENTRICULAR DYSPLASIA, FAMILIAL, 5. Identifiers: MedGen C1858379, MONDO:0011459, OMIM 604400.

Submission:

Labcorp Genetics (formerly Invitae), Labcorp
Classification: Uncertain significance for Arrhythmogenic right ventricular dysplasia 5. Last evaluated: 2020-11-11. Review status: criteria provided, single submitter. Criteria: Invitae Variant Classification Sherloc (09022015). Collection method: clinical testing. Allele origin: germline.
Comment: This variant is not present in population databases (ExAC no frequency). This sequence change replaces glycine with alanine at codon 195 of the TMEM43 protein (p.Gly195Ala). The glycine residue is moderately conserved and there is a small physicochemical difference between glycine and alanine. This variant has not been reported in the literature in individuals with TMEM43-related conditions. Algorithms developed to predict the effect of missense changes on protein structure and function are either unavailable or do not agree on the potential impact of this missense change (SIFT: "Tolerated"; PolyPhen-2: "Probably Damaging"; Align-GVGD: "Class C0"). Algorithms developed to predict the effect of sequence changes on RNA splicing suggest that this variant may disrupt the consensus splice site, but this prediction has not been confirmed by published transcriptional studies. In summary, the available evidence is currently insufficient to determine the role of this variant in disease. Therefore, it has been classified as a Variant of Uncertain Significance.

NM_024334.3(TMEM43):c.584G>C (p.Gly195Ala)

Gene: TMEM43 (transmembrane protein 43; plus strand). Cytogenetic location: 3p25.1.
Variant type: single nucleotide variant.
Coding change: c.584G>C on transcript NM_024334.3 (MANE Select); coding-DNA position 584, G replaced by C.
Protein change: p.Gly195Ala; replaces glycine 195 with alanine.
Molecular consequence: missense variant.
Genome position (GRCh38, 1-based): chr3:14,134,770, G>C. VCF-style: chr3-14134770-G-C. GRCh37 (hg19) VCF-style: chr3-14176270-G-C.
Other names: short protein forms G195A.
Identifiers: ClinVar variation 1503511 (VCV001503511.8), dbSNP rs1458517961, ClinGen allele CA351535425.